The following is an entry in ClinVar:

NM_017534.6(MYH2):c.4102T>C (p.Ser1368Pro)

Genes: MYH2 (myosin heavy chain 2; minus strand), MYHAS (myosin heavy chain gene cluster antisense RNA; plus strand). Cytogenetic location: 17p13.1.
Variant type: single nucleotide variant.
Coding change: c.4102T>C on transcript NM_017534.6 (MANE Select); coding-DNA position 4102, T replaced by C.
Protein change: p.Ser1368Pro; replaces serine 1368 with proline.
Molecular consequence: missense variant.
Genome position (GRCh38, 1-based): chr17:10,526,684, A>G on the plus strand (T>C on the coding strand, the complement: MYH2 is on the minus strand). VCF-style: chr17-10526684-A-G. GRCh37 (hg19) VCF-style: chr17-10430001-A-G.
Other names: c.4102T>C, p.Ser1368Pro (NM_001100112.2); short protein forms S1368P.
Identifiers: ClinVar variation 2871084 (VCV002871084.3), dbSNP rs1180091018, ClinGen allele CA398127584.

ClinVar aggregate classification (germline): Uncertain significance (1 of 4 stars; one submission).

Conditions:
Myopathy, proximal, and ophthalmoplegia (CMYO6). Also called: MYOPATHY WITH CONGENITAL JOINT CONTRACTURES, OPHTHALMOPLEGIA, AND RIMMED VACUOLES; INCLUSION BODY MYOPATHY 3, AUTOSOMAL DOMINANT; CONGENITAL MYOPATHY 6 WITH OPHTHALMOPLEGIA. Identifiers: Orphanet 363677, Orphanet 79091, MedGen C1854106, MONDO:0011577, OMIM 605637.

Allele frequency attached by ClinVar (database versions not stated): gnomAD 0.00001; gnomAD exomes 0.00001; TOPMed 0.00001.
gnomAD v4.1: 13 of 1,613,918 alleles (0.00081%); highest among the groups gnomAD compares: African/African-American, 0.0013%; no homozygotes.

Submission:

Labcorp Genetics (formerly Invitae), Labcorp
Classification: Uncertain significance for Myopathy, proximal, and ophthalmoplegia. Last evaluated: 2023-10-22. Review status: criteria provided, single submitter. Criteria: Invitae Variant Classification Sherloc (09022015). Collection method: clinical testing. Allele origin: germline.
Comment: This sequence change replaces serine, which is neutral and polar, with proline, which is neutral and non-polar, at codon 1368 of the MYH2 protein (p.Ser1368Pro). This variant is not present in population databases (gnomAD no frequency). This variant has not been reported in the literature in individuals affected with MYH2-related conditions. Advanced modeling of protein sequence and biophysical properties (such as structural, functional, and spatial information, amino acid conservation, physicochemical variation, residue mobility, and thermodynamic stability) has been performed at Invitae for this missense variant, however the output from this modeling did not meet the statistical confidence thresholds required to predict the impact of this variant on MYH2 protein function. In summary, the available evidence is currently insufficient to determine the role of this variant in disease. Therefore, it has been classified as a Variant of Uncertain Significance.